The following is an entry in ClinVar:

NM_000038.6(APC):c.7135A>C (p.Thr2379Pro)

Gene: APC (APC regulator of Wnt signaling pathway; plus strand). Cytogenetic location: 5q22.2.
Variant type: single nucleotide variant.
Coding change: c.7135A>C on transcript NM_000038.6 (MANE Select); coding-DNA position 7135, A replaced by C.
Protein change: p.Thr2379Pro; replaces threonine 2379 with proline.
Molecular consequence: missense variant.
Genome position (GRCh38, 1-based): chr5:112,842,729, A>C. VCF-style: chr5-112842729-A-C. GRCh37 (hg19) VCF-style: chr5-112178426-A-C.
Other names: c.7135A>C, p.Thr2379Pro (NM_001127510.3, NM_001354895.2); c.7081A>C, p.Thr2361Pro (NM_001127511.3); c.7189A>C, p.Thr2397Pro (NM_001354896.2); c.7165A>C, p.Thr2389Pro (NM_001354897.2); c.7060A>C, p.Thr2354Pro (NM_001354898.2); c.7051A>C, p.Thr2351Pro (NM_001354899.2); c.7012A>C, p.Thr2338Pro (NM_001354900.2); c.6958A>C, p.Thr2320Pro (NM_001354901.2); and 5 more; short protein forms T2379P, T2361P, T2351P, T2096P, T2320P, T2389P, T2253P, T2338P.
Identifiers: ClinVar variation 482437 (VCV000482437.15), dbSNP rs1466505360, ClinGen allele CA16036870.

ClinVar aggregate classification (germline): Uncertain significance. Review status: criteria provided, multiple submitters, no conflicts (2 of 4 stars). 4 submissions from 4 submitters: Uncertain significance (4). Last evaluated 2025-07-07.

Conditions:
Hereditary cancer-predisposing syndrome. Also called: Neoplastic Syndromes, Hereditary; Tumor predisposition; Hereditary Cancer Syndrome; Hereditary neoplastic syndrome. Identifiers: Orphanet 140162, MedGen C0027672, MeSH D009386, MONDO:0015356.
Familial adenomatous polyposis 1 (FAP1). Also called: FAMILIAL ADENOMATOUS POLYPOSIS 1, ATTENUATED; POLYPOSIS, ADENOMATOUS INTESTINAL. Identifiers: MedGen C2713442, MONDO:0021056, OMIM 175100. Disease mechanism: loss of function.

Allele frequency attached by ClinVar (database versions not stated): TOPMed below 0.00001.

Submissions (4):

Labcorp Genetics (formerly Invitae), Labcorp
Classification: Uncertain significance for Familial adenomatous polyposis 1. Last evaluated: 2025-07-07. Review status: criteria provided, single submitter. Criteria: Invitae Variant Classification Sherloc (09022015). Collection method: clinical testing. Allele origin: germline.
Comment: This sequence change replaces threonine, which is neutral and polar, with proline, which is neutral and non-polar, at codon 2379 of the APC protein (p.Thr2379Pro). This variant is not present in population databases (gnomAD no frequency). This variant has not been reported in the literature in individuals affected with APC-related conditions. ClinVar contains an entry for this variant (Variation ID: 482437). Invitae Evidence Modeling of protein sequence and biophysical properties (such as structural, functional, and spatial information, amino acid conservation, physicochemical variation, residue mobility, and thermodynamic stability) indicates that this missense variant is not expected to disrupt APC protein function with a negative predictive value of 95%. In summary, the available evidence is currently insufficient to determine the role of this variant in disease. Therefore, it has been classified as a Variant of Uncertain Significance.

Ambry Genetics
Classification: Uncertain significance for Hereditary cancer-predisposing syndrome. Last evaluated: 2024-10-14. Review status: criteria provided, single submitter. Criteria: Ambry Variant Classification Scheme 2023. Collection method: clinical testing. Allele origin: germline.
Comment: The p.T2379P variant (also known as c.7135A>C), located in coding exon 15 of the APC gene, results from an A to C substitution at nucleotide position 7135. The threonine at codon 2379 is replaced by proline, an amino acid with highly similar properties. This amino acid position is not well conserved in available vertebrate species. In addition, in silico predictors for this gene do not accurately predict pathogenicity. Missense alterations in APC are not a common cause of disease (Spier I et al. Genet Med. 2024 Feb;26(2):100992). Based on the available evidence, the clinical significance of this variant remains unclear.

Baylor Genetics
Classification: Uncertain significance for Familial adenomatous polyposis 1. Last evaluated: 2024-03-20. Review status: criteria provided, single submitter. Criteria: ACMG Guidelines, 2015. Collection method: clinical testing. Allele origin: unknown.

Color Diagnostics, LLC DBA Color Health
Classification: Uncertain significance for Hereditary cancer-predisposing syndrome. Last evaluated: 2021-02-12. Review status: criteria provided, single submitter. Criteria: ACMG Guidelines, 2015. Collection method: clinical testing. Allele origin: germline.
Comment: This missense variant replaces threonine with proline at codon 2379 of the APC protein. Computational prediction suggests that this variant may not impact protein structure and function (internally defined REVEL score threshold <= 0.5, PMID: 27666373). To our knowledge, functional studies have not been reported for this variant. This variant has not been reported in individuals affected with hereditary cancer in the literature. This variant has not been identified in the general population by the Genome Aggregation Database (gnomAD). The available evidence is insufficient to determine the role of this variant in disease conclusively. Therefore, this variant is classified as a Variant of Uncertain Significance.